The following is an entry in ClinVar:

NM_018965.4(TREM2):c.*45A>G

Gene: TREM2 (triggering receptor expressed on myeloid cells 2; minus strand). Cytogenetic location: 6p21.1.
Variant type: single nucleotide variant.
Coding change: c.*45A>G on transcript NM_018965.4 (MANE Select); 45 bases downstream of the stop codon, A replaced by G.
Molecular consequence: 3 prime UTR variant. On other transcripts: missense variant (1).
Genome position (GRCh38, 1-based): chr6:41,158,719, T>C on the plus strand (A>G on the coding strand, the complement: TREM2 is on the minus strand). VCF-style: chr6-41158719-T-C. GRCh37 (hg19) VCF-style: chr6-41126457-T-C.
Other names: c.544A>G, p.Thr182Ala (NM_001271821.2); short protein forms T182A.
Identifiers: ClinVar variation 1993730 (VCV001993730.4), dbSNP rs776713120, ClinGen allele CA364057144.
Genomic context (GRCh38, chr6:41,158,719, plus strand): 5'-CTTGCCAGAGCAGAACAAGGAGTCCTGGTGGCCAAGTGGCAAGTATGCAGGCTGGGCTGG[T>C]CCCTGGTGGGACTTCTCCTGGGCTTTTCCTCCCATCATCTTCCTTCACGTGTCTCTCAGC-3'

ClinVar aggregate classification (germline): Uncertain significance (1 of 4 stars; one submission).

Submission:

Labcorp Genetics (formerly Invitae), Labcorp
Classification: Uncertain significance. Last evaluated: 2022-05-12. Review status: criteria provided, single submitter. Criteria: Invitae Variant Classification Sherloc (09022015). Collection method: clinical testing. Allele origin: germline.
Comment: In summary, the available evidence is currently insufficient to determine the role of this variant in disease. Therefore, it has been classified as a Variant of Uncertain Significance. This variant has not been reported in the literature in individuals affected with TREM2-related conditions. This variant is not present in population databases (gnomAD no frequency). This variant occurs in a non-coding region of the TREM2 gene. It does not change the encoded amino acid sequence of the TREM2 protein.